The following is an entry in ClinVar:

NM_014476.6(PDLIM3):c.434G>A (p.Ser145Asn)

Gene: PDLIM3 (PDZ and LIM domain 3; minus strand). Cytogenetic location: 4q35.1.
Variant type: single nucleotide variant.
Coding change: c.434G>A on transcript NM_014476.6 (MANE Select); coding-DNA position 434, G replaced by A.
Protein change: p.Ser145Asn; replaces serine 145 with asparagine.
Molecular consequence: missense variant. On other transcripts: intron variant (3).
Genome position (GRCh38, 1-based): chr4:185,508,527, C>T on the plus strand (G>A on the coding strand, the complement: PDLIM3 is on the minus strand). VCF-style: chr4-185508527-C-T. GRCh37 (hg19) VCF-style: chr4-186429681-C-T.
Other names: c.162-1875G>A (NM_001257963.2); c.399-1875G>A (NM_001257962.2); c.519-1875G>A (NM_001114107.5); short protein forms S145N.
Identifiers: ClinVar variation 2953677 (VCV002953677.3), dbSNP rs2478343616, ClinGen allele CA358924548.

ClinVar aggregate classification (germline): Uncertain significance (1 of 4 stars; one submission).

Conditions:
Primary dilated cardiomyopathy (DCM). Also called: Dilated Cardiomyopathy. Identifiers: Orphanet 217604, MedGen C0007193, MeSH D002311, MONDO:0005021, HP:0001644. Inheritance: Various modes of inheritance.
Hypertrophic cardiomyopathy. Also called: HYPERTROPHIC MYOCARDIOPATHY. Identifiers: Orphanet 217569, MedGen C0007194, MeSH D002312, MONDO:0005045, HP:0001639.

gnomAD v4.1: 1 of 1,614,120 alleles (0.000062%); no homozygotes.

Submission:

Labcorp Genetics (formerly Invitae), Labcorp
Classification: Uncertain significance for Hypertrophic cardiomyopathy; Primary dilated cardiomyopathy. Last evaluated: 2024-01-22. Review status: criteria provided, single submitter. Criteria: Invitae Variant Classification Sherloc (09022015). Collection method: clinical testing. Allele origin: germline.
Comment: This sequence change replaces serine, which is neutral and polar, with asparagine, which is neutral and polar, at codon 145 of the PDLIM3 protein (p.Ser145Asn). This variant is not present in population databases (gnomAD no frequency). This variant has not been reported in the literature in individuals affected with PDLIM3-related conditions. Advanced modeling of protein sequence and biophysical properties (such as structural, functional, and spatial information, amino acid conservation, physicochemical variation, residue mobility, and thermodynamic stability) performed at Invitae indicates that this missense variant is not expected to disrupt PDLIM3 protein function with a negative predictive value of 80%. In summary, the available evidence is currently insufficient to determine the role of this variant in disease. Therefore, it has been classified as a Variant of Uncertain Significance.